The following is an entry in ClinVar:

NM_004036.5(ADCY3):c.1355+10A>T

Gene: ADCY3 (adenylate cyclase 3; minus strand). Cytogenetic location: 2p23.3.
Variant type: single nucleotide variant.
Coding change: c.1355+10A>T on transcript NM_004036.5 (MANE Select); 10 bases into the intron after coding-DNA position 1355, A replaced by T.
Molecular consequence: intron variant.
Genome position (GRCh38, 1-based): chr2:24,839,863, T>A on the plus strand (A>T on the coding strand, the complement: ADCY3 is on the minus strand). VCF-style: chr2-24839863-T-A. GRCh37 (hg19) VCF-style: chr2-25062732-T-A.
Other names: c.1355+10A>T (NM_001377130.1, NM_001377129.1, NM_001320613.2 and 2 more transcripts); c.632+10A>T (NM_001377131.1).
Identifiers: ClinVar variation 4997935 (VCV004997935.1).

ClinVar aggregate classification (germline): Likely benign (1 of 4 stars; one submission).

Conditions:
ADCY3-related disorder. Also called: ADCY3-related condition.

Submission:

PreventionGenetics, part of Exact Sciences
Classification: Likely benign for ADCY3-related condition. Last evaluated: 2025-05-08. Review status: criteria provided, single submitter. Criteria: ACMG Guidelines, 2015. Collection method: clinical testing. Allele origin: germline.
Comment: This variant is classified as likely benign based on ACMG/AMP sequence variant interpretation guidelines (Richards et al. 2015 PMID: 25741868, with internal and published modifications).